The following is an entry in ClinVar:

ClinVar aggregate classification (germline): Conflicting classifications of pathogenicity. Review status: criteria provided, conflicting classifications (1 of 4 stars). 3 submissions from 3 submitters: Likely pathogenic (1); Uncertain significance (2). Last evaluated 2025-06-16.

Conditions:
Central core myopathy (CMYO1A). Also called: CONGENITAL MYOPATHY 1A, AUTOSOMAL DOMINANT, WITH SUSCEPTIBILITY TO MALIGNANT HYPERTHERMIA; Central core disease; Myopathy, central fibrillar. Identifiers: Orphanet 597, MedGen C5830701, MONDO:0007294, OMIM 117000.

Allele frequency attached by ClinVar (database versions not stated): gnomAD exomes below 0.00001.

Submissions (3):

Women's Health and Genetics/Laboratory Corporation of America, LabCorp
Classification: Uncertain significance. Last evaluated: 2025-06-16. Review status: criteria provided, single submitter. Criteria: LabCorp Variant Classification Summary - May 2015. Collection method: clinical testing. Allele origin: germline.
Comment: Variant summary: RYR1 c.1438G>A (p.Glu480Lys) results in a conservative amino acid change in the encoded protein sequence. Algorithms developed to predict the effect of missense changes on protein structure and function are either unavailable or do not agree on the potential impact of this missense change. Consensus agreement among computation tools predict no significant impact on normal splicing. However, these predictions have yet to be confirmed by functional studies. The variant was absent in 246230 control chromosomes. The available data on variant occurrences in the general population are insufficient to allow any conclusion about variant significance. c.1438G>A has been observed in the heterozygous state in at least 1 individual(s) affected with clinical features of Congenital Fiber-Type Disproportion (example, Punetha_2016), without strong evidence for causality. These report(s) do not provide unequivocal conclusions about association of the variant with Congenital Fiber-Type Disproportion. To our knowledge, no experimental evidence demonstrating an impact on protein function has been reported. The following publication has been ascertained in the context of this evaluation (PMID: 27854218). ClinVar contains an entry for this variant (Variation ID: 224673). Based on the evidence outlined above, the variant was classified as uncertain significance.

Center for Genetic Medicine Research, Children's National Medical Center
Classification: Likely pathogenic for Central core myopathy. Last evaluated: 2015-12-01. Review status: criteria provided, single submitter. Criteria: Punetha et al. (J Neuromuscul Dis. 2016). Collection method: research. Allele origin: unknown. Affected: yes.

PreventionGenetics, part of Exact Sciences
Classification: Uncertain significance. Last evaluated: 2015-09-22. Review status: criteria provided, single submitter. Criteria: ACMG Guidelines, 2015. Collection method: clinical testing. Allele origin: germline.

Literature cited by the submitters: PubMed 27854218 (cited by Women's Health and Genetics/Laboratory Corporation of America, LabCorp).

NM_000540.3(RYR1):c.1438G>A (p.Glu480Lys)

Gene: RYR1 (ryanodine receptor 1; plus strand). Cytogenetic location: 19q13.2.
Variant type: single nucleotide variant.
Coding change: c.1438G>A on transcript NM_000540.3 (MANE Select); coding-DNA position 1438, G replaced by A.
Protein change: p.Glu480Lys; replaces glutamic acid 480 with lysine.
Molecular consequence: missense variant.
Genome position (GRCh38, 1-based): chr19:38,453,012, G>A. VCF-style: chr19-38453012-G-A. GRCh37 (hg19) VCF-style: chr19-38943652-G-A.
Other names: c.1438G>A, p.Glu480Lys (NM_001042723.2); short protein forms E480K.
Identifiers: ClinVar variation 224673 (VCV000224673.4), dbSNP rs878854375, ClinGen allele CA10575982.
Genomic context (GRCh38, chr19:38,453,012, plus strand): 5'-CACGAGGAGAAGCAGAGCAAGCTGCGAAGCCTGCGCAACCGCCAGAGCCTCTTCCAGGAG[G>A]AGGTGAGGACGTGGCGAGGGCGGAGCGGGGCCTGTGGGCCCAGGGGGCGGGACCACTGAG-3'
Protein context (NP_000531.2, residues 470-490): LRNRQSLFQE[Glu480Lys]GMLSMVLNCI